The following is an entry in ClinVar:

ClinVar aggregate classification (germline): Pathogenic (1 of 4 stars; one submission).

gnomAD v4.1: 1 of 1,211,152 alleles (0.000083%); highest among the groups gnomAD compares: Non-Finnish European, 0.00011%; no homozygotes.

Submission:

GeneDx
Classification: Pathogenic. Last evaluated: 2024-05-31. Review status: criteria provided, single submitter. Criteria: GeneDx Variant Classification Process June 2021. Collection method: clinical testing. Allele origin: germline. Affected: yes.
Comment: Has been reported, as c.708C>A due to use of alternate nomenclature, in a patient with ectodermal dysplsia in the published literature (PMID: 10951256); Missense variants in this gene are a common cause of disease and they are underrepresented in the general population; In silico analysis indicates that this missense variant does not alter protein structure/function; Not observed at significant frequency in large population cohorts (gnomAD); Also known as c.708C>A; This variant is associated with the following publications: (PMID: 10951256)

NM_001399.5(EDA):c.466C>A (p.Arg156Ser)

Gene: EDA (ectodysplasin A; plus strand). Cytogenetic location: Xq13.1.
Variant type: single nucleotide variant.
Coding change: c.466C>A on transcript NM_001399.5 (MANE Select); coding-DNA position 466, C replaced by A.
Protein change: p.Arg156Ser; replaces arginine 156 with serine.
Molecular consequence: missense variant.
Genome position (GRCh38, 1-based): chrX:69,957,096, C>A. VCF-style: chrX-69957096-C-A. GRCh37 (hg19) VCF-style: chrX-69176946-C-A.
Other names: c.466C>A, p.Arg156Ser (NM_001005609.2, NM_001005612.3); short protein forms R156S.
Identifiers: ClinVar variation 3384338 (VCV003384338.1).
Genomic context (GRCh38, chrX:69,957,096, plus strand): 5'-TTGAATTTCTTCTTCCCTGATGAAAAGCCATACTCTGAAGAAGAAAGTAGGCGTGTTCGC[C>A]GCAATAAAAGAAGCAAAAGCAATGAAGGAGCAGATGGTAAGTCTACTCAGTTGATCCTTT-3'
Protein context (NP_001390.1, residues 146-166): YSEEESRRVR[Arg156Ser]NKRSKSNEGA